The following is an entry in ClinVar:

NM_000179.3(MSH6):c.806C>G (p.Thr269Ser)

Gene: MSH6 (mutS homolog 6; plus strand). Cytogenetic location: 2p16.3.
Variant type: single nucleotide variant.
Coding change: c.806C>G on transcript NM_000179.3 (MANE Select); coding-DNA position 806, C replaced by G.
Protein change: p.Thr269Ser; replaces threonine 269 with serine.
Molecular consequence: missense variant. On other transcripts: 5 prime UTR variant (2).
Genome position (GRCh38, 1-based): chr2:47,798,789, C>G. VCF-style: chr2-47798789-C-G. GRCh37 (hg19) VCF-style: chr2-48025928-C-G.
Other names: c.416C>G, p.Thr139Ser (NM_001281492.2); c.-101C>G (NM_001281493.2, NM_001281494.2); short protein forms T269S, T139S.
Identifiers: ClinVar variation 89568 (VCV000089568.32), dbSNP rs587779322, ClinGen allele CA016470.

ClinVar aggregate classification (germline): Conflicting classifications of pathogenicity. Review status: criteria provided, conflicting classifications (1 of 4 stars). 8 submissions from 8 submitters: Uncertain significance (7); Likely benign (1). Last evaluated 2025-12-22.

Conditions:
Mismatch repair cancer syndrome 3. Identifiers: MedGen C5436807, MONDO:0030841, OMIM 619097.
Lynch syndrome 5 (LYNCH5). Also called: Hereditary non-polyposis colorectal cancer, type 5; Colorectal cancer, hereditary nonpolyposis, type 5. Identifiers: Orphanet 144, MedGen C1833477, MONDO:0013710, OMIM 614350. Disease mechanism: loss of function.
Endometrial carcinoma. Also called: Endometrial carcinoma, somatic. Identifiers: MedGen C0476089, MONDO:0002447, OMIM 608089, HP:0012114.
Hereditary nonpolyposis colorectal neoplasms. Identifiers: MedGen C0009405, MeSH D003123.
Hereditary cancer-predisposing syndrome. Also called: Hereditary Cancer Syndrome; Hereditary neoplastic syndrome; Neoplastic Syndromes, Hereditary; Tumor predisposition. Identifiers: Orphanet 140162, MedGen C0027672, MeSH D009386, MONDO:0015356.
Lynch syndrome. Identifiers: Orphanet 144, MedGen C4552100, MONDO:0005835. Disease mechanism: loss of function.

Allele frequency attached by ClinVar (database versions not stated): TOPMed 0.00001; ExAC 0.00003.
gnomAD v4.1: 10 of 1,613,886 alleles (0.00062%); highest among the groups gnomAD compares: Non-Finnish European, 0.00059%; no homozygotes.

Submissions (8):

Ambry Genetics
Classification: Uncertain significance for Hereditary cancer-predisposing syndrome. Last evaluated: 2025-12-22. Review status: criteria provided, single submitter. Criteria: Ambry Variant Classification Scheme 2023. Collection method: clinical testing. Allele origin: germline.
Comment: The p.T269S variant (also known as c.806C>G), located in coding exon 4 of the MSH6 gene, results from a C to G substitution at nucleotide position 806. The threonine at codon 269 is replaced by serine, an amino acid with similar properties. This amino acid position is poorly conserved in available vertebrate species. In addition, this alteration is predicted to be tolerated by in silico analysis. Based on the available evidence, the clinical significance of this variant remains unclear.

Labcorp Genetics (formerly Invitae), Labcorp
Classification: Likely benign for Hereditary nonpolyposis colorectal neoplasms. Last evaluated: 2025-10-18. Review status: criteria provided, single submitter. Criteria: Invitae Variant Classification Sherloc (09022015). Collection method: clinical testing. Allele origin: germline.

Color Diagnostics, LLC DBA Color Health
Classification: Uncertain significance for Hereditary cancer-predisposing syndrome. Last evaluated: 2025-10-01. Review status: criteria provided, single submitter. Criteria: ACMG Guidelines, 2015. Collection method: clinical testing. Allele origin: germline.
Comment: This missense variant replaces threonine with serine at codon 269 of the MSH6 protein. Computational prediction suggests that this variant may not impact protein structure and function. To our knowledge, functional studies have not been performed for this variant. This variant has been reported in an individual affected with endometrial cancer whose tumor displayed high microsatellite instability and mismatch repair deficiency (PMID: 33693762). This variant has been also been reported in several families suspected of Lynch syndrome (PMID: 18566915, 22495361). This variant has been identified in 3/251032 chromosomes in the general population by the Genome Aggregation Database (gnomAD). The available evidence is insufficient to determine the role of this variant in disease conclusively. Therefore, this variant is classified as a Variant of Uncertain Significance.

Center for Genomic Medicine, Rigshospitalet, Copenhagen University Hospital
Classification: Uncertain significance. Last evaluated: 2025-03-04. Review status: criteria provided, single submitter. Criteria: ACMG Guidelines, 2015. Collection method: clinical testing. Allele origin: germline.

All of Us Research Program, National Institutes of Health
Classification: Uncertain significance for Lynch syndrome. Last evaluated: 2024-01-03. Review status: criteria provided, single submitter. Criteria: ACMG Guidelines, 2015. Collection method: clinical testing. Allele origin: germline. Inheritance: Autosomal dominant inheritance. Observed: 4 variant alleles, 4 heterozygotes.
Comment: This missense variant replaces threonine with serine at codon 269 of the MSH6 protein. Computational prediction suggests that this variant may not impact protein structure and function (internally defined REVEL score threshold <= 0.5, PMID: 27666373). To our knowledge, functional studies have not been performed for this variant. This variant has been reported in an individual affected with endometrial cancer whose tumor displayed high microsatellite instability and mismatch repair deficiency (PMID: 33693762). This variant has been also been reported in several families suspected of Lynch syndrome (PMID: 18566915, 22495361). This variant has been identified in 3/251032 chromosomes in the general population by the Genome Aggregation Database (gnomAD). The available evidence is insufficient to determine the role of this variant in disease conclusively. Therefore, this variant is classified as a Variant of Uncertain Significance.

This study involves interpretation of variants in research participants for the purpose of population health screening. Participant phenotype was not available at the time of variant classification. Additional details can be found in publication PMID: 35346344, PMCID: PMC8962531

Fulgent Genetics
Classification: Uncertain significance for Endometrial carcinoma; Lynch syndrome 5; Mismatch repair cancer syndrome 3. Last evaluated: 2022-04-26. Review status: criteria provided, single submitter. Criteria: ACMG Guidelines, 2015. Collection method: clinical testing. Allele origin: unknown.

GeneDx
Classification: Uncertain significance. Last evaluated: 2022-04-01. Review status: criteria provided, single submitter. Criteria: GeneDx Variant Classification Process June 2021. Collection method: clinical testing. Allele origin: germline. Affected: yes.
Comment: Not observed at significant frequency in large population cohorts (gnomAD); In silico analysis supports that this missense variant does not alter protein structure/function; Observed in individuals with a history of Lynch syndrome associated cancers (Nilbert 2009, Okkels 2012); This variant is associated with the following publications: (PMID: 18566915, 22290698, 26333163, 22495361, 23621914, 32123317, 21437237)

Quest Diagnostics Nichols Institute San Juan Capistrano
Classification: Uncertain significance. Last evaluated: 2017-09-15. Review status: criteria provided, single submitter. Criteria: Quest Diagnostics criteria. Collection method: clinical testing. Allele origin: germline.

Literature cited by the submitters: PubMed 18566915 (cited by 4 submitters); PubMed 22290698 (cited by Ambry Genetics); PubMed 22495361 (cited by 3 submitters); PubMed 35904628 (cited by Ambry Genetics); PubMed 33693762 (cited by Color Diagnostics, LLC DBA Color Health and All of Us Research Program, National Institutes of Health).